The following is an entry in ClinVar:

ClinVar aggregate classification (germline): Uncertain significance (1 of 4 stars; one submission).

gnomAD v4.1: 1 of 1,614,244 alleles (0.000062%); highest among the groups gnomAD compares: Non-Finnish European, 0.000085%; no homozygotes.

Submission:

CeGaT Center for Human Genetics Tuebingen
Classification: Uncertain significance. Last evaluated: 2025-11-01. Review status: criteria provided, single submitter. Criteria: CeGaT Center For Human Genetics Tuebingen Variant Classification Criteria Version 2. Collection method: clinical testing. Allele origin: germline. Affected: yes. Observed: 1 variant allele.
Comment: KMT2C: PM2, BP4

NM_170606.3(KMT2C):c.11217G>C (p.Gln3739His)

Gene: KMT2C (lysine methyltransferase 2C; minus strand). Cytogenetic location: 7q36.1.
Variant type: single nucleotide variant.
Coding change: c.11217G>C on transcript NM_170606.3 (MANE Select); coding-DNA position 11217, G replaced by C.
Protein change: p.Gln3739His; replaces glutamine 3739 with histidine.
Molecular consequence: missense variant.
Genome position (GRCh38, 1-based): chr7:152,162,360, C>G on the plus strand (G>C on the coding strand, the complement: KMT2C is on the minus strand). VCF-style: chr7-152162360-C-G. GRCh37 (hg19) VCF-style: chr7-151859445-C-G.
Other names: short protein forms Q3739H.
Identifiers: ClinVar variation 4534472 (VCV004534472.6).